The following is an entry in ClinVar:

NM_005359.6(SMAD4):c.737C>T (p.Pro246Leu)

Gene: SMAD4 (SMAD family member 4; plus strand). Cytogenetic location: 18q21.2.
Variant type: single nucleotide variant.
Coding change: c.737C>T on transcript NM_005359.6 (MANE Select); coding-DNA position 737, C replaced by T.
Protein change: p.Pro246Leu; replaces proline 246 with leucine.
Molecular consequence: missense variant.
Genome position (GRCh38, 1-based): chr18:51,058,194, C>T. VCF-style: chr18-51058194-C-T. GRCh37 (hg19) VCF-style: chr18-48584564-C-T.
Other names: short protein forms P246L.
Identifiers: ClinVar variation 1377313 (VCV001377313.8), dbSNP rs2144427298, ClinGen allele CA402462908.

ClinVar aggregate classification (germline): Uncertain significance. Review status: criteria provided, multiple submitters, no conflicts (2 of 4 stars). 2 submissions from 2 submitters: Uncertain significance (2). Last evaluated 2023-07-15.

Conditions:
Hereditary cancer-predisposing syndrome. Also called: Tumor predisposition; Hereditary neoplastic syndrome; Neoplastic Syndromes, Hereditary; Hereditary Cancer Syndrome. Identifiers: Orphanet 140162, MedGen C0027672, MeSH D009386, MONDO:0015356.
Familial thoracic aortic aneurysm and aortic dissection (TAAD). Also called: Thoracic aortic aneurysms and dissections. Identifiers: Orphanet 91387, MedGen C4707243, MONDO:0019625.
Juvenile polyposis syndrome (JPS). Identifiers: Orphanet 2929, MedGen C0345893, MONDO:0017380, OMIM 174900.

Submissions (2):

Ambry Genetics
Classification: Uncertain significance for Hereditary cancer-predisposing syndrome; Familial thoracic aortic aneurysm and aortic dissection. Last evaluated: 2023-07-15. Review status: criteria provided, single submitter. Criteria: Ambry Variant Classification Scheme 2023. Collection method: clinical testing. Allele origin: germline.
Comment: The p.P246L variant (also known as c.737C>T), located in coding exon 5 of the SMAD4 gene, results from a C to T substitution at nucleotide position 737. The proline at codon 246 is replaced by leucine, an amino acid with similar properties. This amino acid position is highly conserved in available vertebrate species. In addition, this alteration is predicted to be tolerated by in silico analysis. Since supporting evidence is limited at this time, the clinical significance of this alteration remains unclear.

Labcorp Genetics (formerly Invitae), Labcorp
Classification: Uncertain significance for Juvenile polyposis syndrome. Last evaluated: 2022-10-15. Review status: criteria provided, single submitter. Criteria: Invitae Variant Classification Sherloc (09022015). Collection method: clinical testing. Allele origin: germline.
Comment: ClinVar contains an entry for this variant (Variation ID: 1377313). In summary, the available evidence is currently insufficient to determine the role of this variant in disease. Therefore, it has been classified as a Variant of Uncertain Significance. Advanced modeling of protein sequence and biophysical properties (such as structural, functional, and spatial information, amino acid conservation, physicochemical variation, residue mobility, and thermodynamic stability) performed at Invitae indicates that this missense variant is not expected to disrupt SMAD4 protein function. This variant has not been reported in the literature in individuals affected with SMAD4-related conditions. This variant is not present in population databases (gnomAD no frequency). This sequence change replaces proline, which is neutral and non-polar, with leucine, which is neutral and non-polar, at codon 246 of the SMAD4 protein (p.Pro246Leu).